The following is an entry in ClinVar:

ClinVar aggregate classification (germline): Uncertain significance. Review status: criteria provided, multiple submitters, no conflicts (2 of 4 stars). 2 submissions from 2 submitters: Uncertain significance (2). Last evaluated 2025-12-08.

Conditions:
Curry-Hall syndrome (WAD). Also called: WEYERS ACRODENTAL DYSOSTOSIS. Identifiers: Orphanet 952, MedGen C0457013, MONDO:0008673, OMIM 193530.
Ellis-van Creveld syndrome (EVC). Also called: EVC-Related Ellis-van Creveld Syndrome; EVC2-Related Ellis-van Creveld Syndrome; MESOECTODERMAL DYSPLASIA; Chondroectodermal dysplasia. Identifiers: Orphanet 289, MedGen C0013903, MONDO:0009162, OMIM 225500.
Inborn genetic diseases. Identifiers: MedGen C0950123, MeSH D030342.

Allele frequency attached by ClinVar (database versions not stated): ExAC 0.00001; gnomAD exomes 0.00001.
gnomAD v4.1: 10 of 1,614,154 alleles (0.00062%); highest among the groups gnomAD compares: Non-Finnish European, 0.00076%; no homozygotes.

Submissions (2):

Labcorp Genetics (formerly Invitae), Labcorp
Classification: Uncertain significance for Curry-Hall syndrome; Ellis-van Creveld syndrome. Last evaluated: 2025-12-08. Review status: criteria provided, single submitter. Criteria: Invitae Variant Classification Sherloc (09022015). Collection method: clinical testing. Allele origin: germline.
Comment: This sequence change replaces arginine, which is basic and polar, with lysine, which is basic and polar, at codon 1206 of the EVC2 protein (p.Arg1206Lys). This variant is present in population databases (rs753476996, gnomAD 0.0009%). This variant has not been reported in the literature in individuals affected with EVC2-related conditions. ClinVar contains an entry for this variant (Variation ID: 2951216). An algorithm developed to predict the effect of missense changes on protein structure and function (PolyPhen-2) suggests that this variant is likely to be tolerated. In summary, the available evidence is currently insufficient to determine the role of this variant in disease. Therefore, it has been classified as a Variant of Uncertain Significance.

Ambry Genetics
Classification: Uncertain significance for Inborn genetic diseases. Last evaluated: 2024-10-23. Review status: criteria provided, single submitter. Criteria: Ambry Variant Classification Scheme 2023. Collection method: clinical testing. Allele origin: germline.

NM_147127.5(EVC2):c.3617G>A (p.Arg1206Lys)

Gene: EVC2 (EvC ciliary complex subunit 2; minus strand). Cytogenetic location: 4p16.2.
Variant type: single nucleotide variant.
Coding change: c.3617G>A on transcript NM_147127.5 (MANE Select); coding-DNA position 3617, G replaced by A.
Protein change: p.Arg1206Lys; replaces arginine 1206 with lysine.
Molecular consequence: missense variant.
Genome position (GRCh38, 1-based): chr4:5,565,300, C>T on the plus strand (G>A on the coding strand, the complement: EVC2 is on the minus strand). VCF-style: chr4-5565300-C-T. GRCh37 (hg19) VCF-style: chr4-5567027-C-T.
Other names: c.3617G>A (NM_147127.4); c.3377G>A, p.Arg1126Lys (NM_001166136.2); short protein forms R1126K, R1206K.
Identifiers: ClinVar variation 2951216 (VCV002951216.4), dbSNP rs753476996, ClinGen allele CA2834247.